The following is an entry in ClinVar:

NM_152564.5(VPS13B):c.10992C>T (p.Phe3664=)

Gene: VPS13B (vacuolar protein sorting 13 homolog B; plus strand). Cytogenetic location: 8q22.2.
Variant type: single nucleotide variant.
Coding change: c.10992C>T on transcript NM_152564.5 (MANE Select); coding-DNA position 10992, C replaced by T.
Protein change: p.Phe3664=; no amino-acid change (phenylalanine 3664 retained).
Molecular consequence: synonymous variant.
Genome position (GRCh38, 1-based): chr8:99,859,428, C>T. VCF-style: chr8-99859428-C-T. GRCh37 (hg19) VCF-style: chr8-100871656-C-T.
Other names: c.11067C>T, p.Phe3689= (NM_017890.5); c.10992C>T (NM_152564.4).
Identifiers: ClinVar variation 771825 (VCV000771825.17), dbSNP rs575051014, ClinGen allele CA4825089.

ClinVar aggregate classification (germline): Likely benign. Review status: criteria provided, multiple submitters, no conflicts (2 of 4 stars). 4 submissions from 4 submitters: Likely benign (2). 2 of the submissions do not count toward it. Last evaluated 2026-01-28.

Conditions:
VPS13B-related disorder. Also called: VPS13B-related condition.
Cohen syndrome (COH1). Also called: PEPPER SYNDROME; Cutis verticis gyrata, retinitis pigmentosa, and sensorineural deafness. Identifiers: Orphanet 193, MedGen C0265223, MONDO:0008999, OMIM 216550.

Allele frequency attached by ClinVar (database versions not stated): ExAC 0.00003; gnomAD exomes 0.00003 and 0.00006; TOPMed 0.00015; gnomAD 0.00019; 1000 Genomes Project 0.00040; 1000 Genomes Project 30x 0.00047.
gnomAD v4.1: 74 of 1,614,022 alleles (0.0046%); highest among the groups gnomAD compares: African/African-American, 0.033%; no homozygotes.

Submissions (4):

Labcorp Genetics (formerly Invitae), Labcorp
Classification: Likely benign for Cohen syndrome. Last evaluated: 2026-01-28. Review status: criteria provided, single submitter. Criteria: Invitae Variant Classification Sherloc (09022015). Collection method: clinical testing. Allele origin: germline.

Blueprint Genetics
Classification: Likely benign. Last evaluated: 2024-06-07. Review status: criteria provided, single submitter. Criteria: ACMG Guidelines, 2015. Collection method: clinical testing. Allele origin: germline.

PreventionGenetics, part of Exact Sciences
Classification: Likely benign for VPS13B-related condition. Last evaluated: 2022-08-10. Review status: no assertion criteria provided. Collection method: clinical testing. Allele origin: germline. Not counted in ClinVar's aggregate classification.
Comment: This variant is classified as likely benign based on ACMG/AMP sequence variant interpretation guidelines (Richards et al. 2015 PMID: 25741868, with internal and published modifications).

Natera, Inc.
Classification: Likely benign for Cohen syndrome. Last evaluated: 2021-06-29. Review status: no assertion criteria provided. Collection method: clinical testing. Allele origin: germline. Not counted in ClinVar's aggregate classification.